The following is an entry in ClinVar:

NM_001130438.3(SPTAN1):c.5488G>A (p.Asp1830Asn)

Gene: SPTAN1 (spectrin alpha, non-erythrocytic 1; plus strand). Cytogenetic location: 9q34.11.
Variant type: single nucleotide variant.
Coding change: c.5488G>A on transcript NM_001130438.3 (MANE Select); coding-DNA position 5488, G replaced by A.
Protein change: p.Asp1830Asn; replaces aspartic acid 1830 with asparagine.
Molecular consequence: missense variant.
Genome position (GRCh38, 1-based): chr9:128,617,996, G>A. VCF-style: chr9-128617996-G-A. GRCh37 (hg19) VCF-style: chr9-131380275-G-A.
Other names: c.5413G>A, p.Asp1805Asn (NM_001195532.2); c.5488G>A, p.Asp1830Asn (NM_001363759.2, NM_001375310.1, NM_001375311.2 and 1 more transcripts); c.5428G>A, p.Asp1810Asn (NM_001363765.2, NM_001375314.2); c.5524G>A, p.Asp1842Asn (NM_001375312.2, NM_001375318.1); c.5473G>A, p.Asp1825Asn (NM_003127.4); short protein forms D1805N, D1810N, D1825N, D1830N, D1842N.
Identifiers: ClinVar variation 3252976 (VCV003252976.2), dbSNP rs2541950472.

ClinVar aggregate classification (germline): Uncertain significance (1 of 4 stars; one submission).

Allele frequency attached by ClinVar (database versions not stated): gnomAD exomes below 0.00001.
gnomAD v4.1: 2 of 1,614,162 alleles (0.00012%); highest among the groups gnomAD compares: Non-Finnish European, 0.00017%; no homozygotes.

Submission:

GeneDx
Classification: Uncertain significance. Last evaluated: 2025-03-20. Review status: criteria provided, single submitter. Criteria: GeneDx Variant Classification Process June 2021. Collection method: clinical testing. Allele origin: germline.
Comment: Not observed at significant frequency in large population cohorts (gnomAD); In silico analysis supports that this missense variant has a deleterious effect on protein structure/function; Has not been previously published as pathogenic or benign to our knowledge